The following is an entry in ClinVar:

NM_032229.3(SLITRK6):c.2353G>C (p.Asp785His)

Gene: SLITRK6 (SLIT and NTRK like family member 6; minus strand). Cytogenetic location: 13q31.1.
Variant type: single nucleotide variant.
Coding change: c.2353G>C on transcript NM_032229.3 (MANE Select); coding-DNA position 2353, G replaced by C.
Protein change: p.Asp785His; replaces aspartic acid 785 with histidine.
Molecular consequence: missense variant.
Genome position (GRCh38, 1-based): chr13:85,794,156, C>G on the plus strand (G>C on the coding strand, the complement: SLITRK6 is on the minus strand). VCF-style: chr13-85794156-C-G. GRCh37 (hg19) VCF-style: chr13-86368291-C-G.
Other names: c.2353G>C (NM_032229.2); short protein forms D785H.
Identifiers: ClinVar variation 1423406 (VCV001423406.10), dbSNP rs202217453, ClinGen allele CA7014918.

ClinVar aggregate classification (germline): Uncertain significance. Review status: criteria provided, multiple submitters, no conflicts (2 of 4 stars). 4 submissions from 4 submitters: Uncertain significance (4). Last evaluated 2026-04-16.

Conditions:
SLITRK6-related disorder. Also called: SLITRK6-related condition.
Inborn genetic diseases. Identifiers: MedGen C0950123, MeSH D030342.

Allele frequency attached by ClinVar (database versions not stated): ExAC 0.00012; gnomAD 0.00012 and 0.00014; gnomAD exomes 0.00015 and 0.00032; TOPMed 0.00015; ESP Exome Variant Server 0.00017.
gnomAD v4.1: 483 of 1,612,766 alleles (0.03%); highest among the groups gnomAD compares: Non-Finnish European, 0.039%; 1 homozygote.

Submissions (4):

PreventionGenetics, part of Exact Sciences
Classification: Uncertain significance for SLITRK6-related condition. Last evaluated: 2026-04-16. Review status: criteria provided, single submitter. Criteria: ACMG Guidelines, 2015. Collection method: clinical testing. Allele origin: germline.
Comment: The SLITRK6 c.2353G>C variant is predicted to result in the amino acid substitution p.Asp785His. To our knowledge, this variant has not been reported in the literature. This variant is reported in 0.027% of alleles in individuals of European (Non-Finnish) descent in gnomAD. At this time, the clinical significance of this variant is uncertain due to the absence of conclusive functional and genetic evidence.

Ambry Genetics
Classification: Uncertain significance for Inborn genetic diseases. Last evaluated: 2024-11-26. Review status: criteria provided, single submitter. Criteria: Ambry Variant Classification Scheme 2023. Collection method: clinical testing. Allele origin: germline.

GeneDx
Classification: Uncertain significance. Last evaluated: 2024-02-01. Review status: criteria provided, single submitter. Criteria: GeneDx Variant Classification Process June 2021. Collection method: clinical testing. Allele origin: germline. Affected: yes.
Comment: In silico analysis supports that this missense variant does not alter protein structure/function; Has not been previously published as pathogenic or benign to our knowledge

Labcorp Genetics (formerly Invitae), Labcorp
Classification: Uncertain significance. Last evaluated: 2022-06-09. Review status: criteria provided, single submitter. Criteria: Invitae Variant Classification Sherloc (09022015). Collection method: clinical testing. Allele origin: germline.
Comment: In summary, the available evidence is currently insufficient to determine the role of this variant in disease. Therefore, it has been classified as a Variant of Uncertain Significance. Algorithms developed to predict the effect of missense changes on protein structure and function are either unavailable or do not agree on the potential impact of this missense change (SIFT: "Deleterious"; PolyPhen-2: "Possibly Damaging"; Align-GVGD: "Class C0"). This variant has not been reported in the literature in individuals affected with SLITRK6-related conditions. This variant is present in population databases (rs202217453, gnomAD 0.03%). This sequence change replaces aspartic acid, which is acidic and polar, with histidine, which is basic and polar, at codon 785 of the SLITRK6 protein (p.Asp785His).